The following is an entry in ClinVar:

NM_001126108.2(SLC12A3):c.1629C>T (p.Ile543=)

Gene: SLC12A3 (solute carrier family 12 member 3; plus strand). Cytogenetic location: 16q13.
Variant type: single nucleotide variant.
Coding change: c.1629C>T on transcript NM_001126108.2 (MANE Select); coding-DNA position 1629, C replaced by T.
Protein change: p.Ile543=; no amino-acid change (isoleucine 543 retained).
Molecular consequence: synonymous variant.
Genome position (GRCh38, 1-based): chr16:56,882,457, C>T. VCF-style: chr16-56882457-C-T. GRCh37 (hg19) VCF-style: chr16-56916369-C-T.
Other names: c.1629C>T, p.Ile543= (NM_000339.3); c.1626C>T, p.Ile542= (NM_001126107.2).
Identifiers: ClinVar variation 1154727 (VCV001154727.33), dbSNP rs2144719542, ClinGen allele CA495604096.

ClinVar aggregate classification (germline): Likely benign. Review status: criteria provided, multiple submitters, no conflicts (2 of 4 stars). 3 submissions from 3 submitters: Likely benign (3). Last evaluated 2024-09-23.

Submissions (3):

Blueprint Genetics
Classification: Likely benign. Last evaluated: 2024-09-23. Review status: criteria provided, single submitter. Criteria: ACMG Guidelines, 2015. Collection method: clinical testing. Allele origin: germline.

Labcorp Genetics (formerly Invitae), Labcorp
Classification: Likely benign. Last evaluated: 2023-07-06. Review status: criteria provided, single submitter. Criteria: Invitae Variant Classification Sherloc (09022015). Collection method: clinical testing. Allele origin: germline.

CeGaT Center for Human Genetics Tuebingen
Classification: Likely benign. Last evaluated: 2023-05-01. Review status: criteria provided, single submitter. Criteria: CeGaT Center For Human Genetics Tuebingen Variant Classification Criteria Version 2. Collection method: clinical testing. Allele origin: germline. Affected: yes. Observed: 1 variant allele.
Comment: SLC12A3: PM2:Supporting, BP4, BP7